The following is an entry in ClinVar:

ClinVar aggregate classification (germline): Uncertain significance (1 of 4 stars; one submission).

Conditions:
Werner syndrome (WRN). Identifiers: Orphanet 902, MedGen C0043119, MONDO:0010196, OMIM 277700.

Allele frequency attached by ClinVar (database versions not stated): gnomAD exomes below 0.00001.
gnomAD v4.1: 3 of 1,608,974 alleles (0.00019%); highest among the groups gnomAD compares: South Asian, 0.0011%; no homozygotes.

Submission:

Labcorp Genetics (formerly Invitae), Labcorp
Classification: Uncertain significance for Werner syndrome. Last evaluated: 2023-09-28. Review status: criteria provided, single submitter. Criteria: Invitae Variant Classification Sherloc (09022015). Collection method: clinical testing. Allele origin: germline.
Comment: In summary, the available evidence is currently insufficient to determine the role of this variant in disease. Therefore, it has been classified as a Variant of Uncertain Significance. Algorithms developed to predict the effect of sequence changes on RNA splicing suggest that this variant may disrupt the consensus splice site. An algorithm developed to predict the effect of missense changes on protein structure and function (PolyPhen-2) suggests that this variant is likely to be tolerated. ClinVar contains an entry for this variant (Variation ID: 850769). This variant has not been reported in the literature in individuals affected with WRN-related conditions. The frequency data for this variant in the population databases is considered unreliable, as metrics indicate poor data quality at this position in the gnomAD database. This sequence change replaces glutamic acid, which is acidic and polar, with aspartic acid, which is acidic and polar, at codon 228 of the WRN protein (p.Glu228Asp).

NM_000553.6(WRN):c.684G>T (p.Glu228Asp)

Gene: WRN (WRN RecQ like helicase; plus strand). Cytogenetic location: 8p12.
Variant type: single nucleotide variant.
Coding change: c.684G>T on transcript NM_000553.6 (MANE Select); coding-DNA position 684, G replaced by T.
Protein change: p.Glu228Asp; replaces glutamic acid 228 with aspartic acid.
Molecular consequence: missense variant.
Genome position (GRCh38, 1-based): chr8:31,068,287, G>T. VCF-style: chr8-31068287-G-T. GRCh37 (hg19) VCF-style: chr8-30925803-G-T.
Other names: short protein forms E228D.
Identifiers: ClinVar variation 850769 (VCV000850769.6), dbSNP rs1415117984, ClinGen allele CA370917009.